The following is an entry in ClinVar:

ClinVar aggregate classification (germline): Likely benign. Review status: criteria provided, single submitter (1 of 4 stars). 2 submissions from 2 submitters: Likely benign (1). 1 of the submissions does not count toward it. Last evaluated 2024-03-13.

Conditions:
Cohen syndrome (COH1). Also called: Cutis verticis gyrata, retinitis pigmentosa, and sensorineural deafness; PEPPER SYNDROME. Identifiers: Orphanet 193, MedGen C0265223, MONDO:0008999, OMIM 216550.
VPS13B-related disorder. Also called: VPS13B-related condition.

gnomAD v4.1: 24 of 1,613,696 alleles (0.0015%); highest among the groups gnomAD compares: Admixed American, 0.0033%; no homozygotes.

Submissions (2):

Labcorp Genetics (formerly Invitae), Labcorp
Classification: Likely benign for Cohen syndrome. Last evaluated: 2024-03-13. Review status: criteria provided, single submitter. Criteria: Invitae Variant Classification Sherloc (09022015). Collection method: clinical testing. Allele origin: germline.

PreventionGenetics, part of Exact Sciences
Classification: Likely benign for VPS13B-related condition. Last evaluated: 2024-06-08. Review status: no assertion criteria provided. Collection method: clinical testing. Allele origin: germline. Not counted in ClinVar's aggregate classification.
Comment: This variant is classified as likely benign based on ACMG/AMP sequence variant interpretation guidelines (Richards et al. 2015 PMID: 25741868, with internal and published modifications).

NM_152564.5(VPS13B):c.4989C>T (p.Pro1663=)

Gene: VPS13B (vacuolar protein sorting 13 homolog B; plus strand). Cytogenetic location: 8q22.2.
Variant type: single nucleotide variant.
Coding change: c.4989C>T on transcript NM_152564.5 (MANE Select); coding-DNA position 4989, C replaced by T.
Protein change: p.Pro1663=; no amino-acid change (proline 1663 retained).
Molecular consequence: synonymous variant.
Genome position (GRCh38, 1-based): chr8:99,575,697, C>T. VCF-style: chr8-99575697-C-T. GRCh37 (hg19) VCF-style: chr8-100587925-C-T.
Other names: c.4989C>T (NM_152564.4); c.5064C>T, p.Pro1688= (NM_017890.5).
Identifiers: ClinVar variation 1122019 (VCV001122019.10), dbSNP rs142380266, ClinGen allele CA4823714.